The following is an entry in ClinVar:

NM_001080517.3(SETD5):c.3341G>A (p.Gly1114Asp)

Gene: SETD5 (SET domain containing 5; plus strand). Cytogenetic location: 3p25.3.
Variant type: single nucleotide variant.
Coding change: c.3341G>A on transcript NM_001080517.3 (MANE Select); coding-DNA position 3341, G replaced by A.
Protein change: p.Gly1114Asp; replaces glycine 1114 with aspartic acid.
Molecular consequence: missense variant.
Genome position (GRCh38, 1-based): chr3:9,473,381, G>A. VCF-style: chr3-9473381-G-A. GRCh37 (hg19) VCF-style: chr3-9515065-G-A.
Other names: c.3341G>A (NM_001080517.2); c.3047G>A, p.Gly1016Asp (NM_001292043.2, NM_001349451.2); short protein forms G1114D, G1016D.
Identifiers: ClinVar variation 436693 (VCV000436693.38), dbSNP rs201189533, ClinGen allele CA2239671.

ClinVar aggregate classification (germline): Benign/Likely benign. Review status: criteria provided, multiple submitters, no conflicts (2 of 4 stars). 5 submissions from 5 submitters: Benign (2); Likely benign (2). 1 of the submissions does not count toward it. Last evaluated 2025-09-30.

Conditions:
SETD5-related disorder. Also called: SETD5-related disorders; SETD5-related condition.

Allele frequency attached by ClinVar (database versions not stated): TOPMed 0.00011; ESP Exome Variant Server 0.00016; gnomAD 0.00016.
gnomAD v4.1: 227 of 1,613,958 alleles (0.014%); highest among the groups gnomAD compares: Middle Eastern, 0.05%; 1 homozygote.

Submissions (5):

Labcorp Genetics (formerly Invitae), Labcorp
Classification: Benign. Last evaluated: 2025-09-30. Review status: criteria provided, single submitter. Criteria: Invitae Variant Classification Sherloc (09022015). Collection method: clinical testing. Allele origin: germline.

CeGaT Center for Human Genetics Tuebingen
Classification: Likely benign. Last evaluated: 2023-11-01. Review status: criteria provided, single submitter. Criteria: CeGaT Center For Human Genetics Tuebingen Variant Classification Criteria Version 2. Collection method: clinical testing. Allele origin: germline. Affected: yes. Observed: 1 variant allele.
Comment: SETD5: BP4, BS2

GeneDx
Classification: Benign. Last evaluated: 2020-08-10. Review status: criteria provided, single submitter. Criteria: GeneDx Variant Classification Process June 2021. Collection method: clinical testing. Allele origin: germline. Affected: yes.

Genetic Services Laboratory, University of Chicago
Classification: Likely benign. Last evaluated: 2016-08-05. Review status: criteria provided, single submitter. Criteria: ACMG Guidelines, 2015. Collection method: clinical testing. Allele origin: germline. Affected: no.

PreventionGenetics, part of Exact Sciences
Classification: Likely benign for SETD5-related condition. Last evaluated: 2024-03-27. Review status: no assertion criteria provided. Collection method: clinical testing. Allele origin: germline. Not counted in ClinVar's aggregate classification.
Comment: This variant is classified as likely benign based on ACMG/AMP sequence variant interpretation guidelines (Richards et al. 2015 PMID: 25741868, with internal and published modifications).